The following is an entry in ClinVar:

ClinVar aggregate classification (germline): Pathogenic (1 of 4 stars; one submission).

Conditions:
Hyper-IgM syndrome type 1. Also called: Hyper-IgM Immunodeficiency Syndrome, Type 1; CD40 Ligand Deficiency; X-linked hyper-IgM syndrome; Immunodeficiency, X-linked, with hyper-IgM. Identifiers: Orphanet 101088, MedGen C0398689, MONDO:0010626, OMIM 308230.

Submission:

Labcorp Genetics (formerly Invitae), Labcorp
Classification: Pathogenic for Hyper-IgM syndrome type 1. Last evaluated: 2026-01-05. Review status: criteria provided, single submitter. Criteria: Invitae Variant Classification Sherloc (09022015). Collection method: clinical testing. Allele origin: germline.
Comment: This sequence change creates a premature translational stop signal (p.Gln70*) in the CD40LG gene. It is expected to result in an absent or disrupted protein product. Loss-of-function variants in CD40LG are known to be pathogenic (PMID: 15319456). This variant is not present in population databases (gnomAD no frequency). This premature translational stop signal has been observed in individual(s) with clinical features of CD40LG-related conditions (PMID: 15358621, 32888943). ClinVar contains an entry for this variant (Variation ID: 2138726). For these reasons, this variant has been classified as Pathogenic.

Literature cited by the submitters: PubMed 15319456; PubMed 15358621; PubMed 32888943.

NM_000074.3(CD40LG):c.208C>T (p.Gln70Ter)

Gene: CD40LG (CD40 ligand; plus strand). Cytogenetic location: Xq26.3.
Variant type: single nucleotide variant.
Coding change: c.208C>T on transcript NM_000074.3 (MANE Select); coding-DNA position 208, C replaced by T.
Protein change: p.Gln70Ter; replaces glutamine 70 with a stop codon.
Molecular consequence: nonsense.
Genome position (GRCh38, 1-based): chrX:136,650,317, C>T. VCF-style: chrX-136650317-C-T. GRCh37 (hg19) VCF-style: chrX-135732476-C-T.
Other names: short protein forms Q70*.
Identifiers: ClinVar variation 2138726 (VCV002138726.4), dbSNP rs2148551102, ClinGen allele CA414753158.
Genomic context (GRCh38, chrX:136,650,317, plus strand): 5'-CCAAAATAGATAGAAGATGAAAGGAATCTTCATGAAGATTTTGTATTCATGAAAACGATA[C>T]AGAGATGCAACACAGGAGAAAGATCCTTATCCTTACTGAACTGTGAGGAGATTAAAAGCC-3'